The following is an entry in ClinVar:

ClinVar aggregate classification (germline): Likely pathogenic (1 of 4 stars; one submission).

Conditions:
Dilated cardiomyopathy 1G (CMD1G). Identifiers: Orphanet 154, MedGen C1858763, MONDO:0011400, OMIM 604145.
Autosomal recessive limb-girdle muscular dystrophy type 2J (LGMDR10). Also called: Limb-girdle muscular dystrophy, type 2J; MUSCULAR DYSTROPHY, LIMB-GIRDLE, AUTOSOMAL RECESSIVE 10. Identifiers: Orphanet 140922, MedGen C1837342, MONDO:0012127, OMIM 608807.

Submission:

Labcorp Genetics (formerly Invitae), Labcorp
Classification: Likely pathogenic for Dilated cardiomyopathy 1G; Autosomal recessive limb-girdle muscular dystrophy type 2J. Last evaluated: 2020-10-20. Review status: criteria provided, single submitter. Criteria: Invitae Variant Classification Sherloc (09022015). Collection method: clinical testing. Allele origin: germline.
Comment: This sequence change creates a premature translational stop signal (p.Trp16772*) in the TTN gene. While this is not anticipated to result in nonsense mediated decay, it is expected to create a truncated TTN protein. This variant is not present in population databases (ExAC no frequency). This variant has not been reported in the literature in individuals with TTN-related conditions. This variant is located in the A band of TTN (PMID: 25589632). Truncating variants in this region are significantly overrepresented in patients affected with dilated cardiomyopathy (PMID: 25589632). Truncating variants in this region have also been reported in individuals affected with autosomal recessive centronuclear myopathy (PMID: 23975875). In summary, the currently available evidence indicates that the variant is pathogenic, but additional data are needed to prove that conclusively. Therefore, this variant has been classified as Likely Pathogenic.

Literature cited by the submitters: PubMed 25589632; PubMed 23975875.

NM_001267550.2(TTN):c.50316G>A (p.Trp16772Ter)

Genes: TTN-AS1 (TTN antisense RNA 1; plus strand), TTN (titin; minus strand). Cytogenetic location: 2q31.2.
Variant type: single nucleotide variant.
Coding change: c.50316G>A on transcript NM_001267550.2 (MANE Select); coding-DNA position 50316, G replaced by A.
Protein change: p.Trp16772Ter; replaces tryptophan 16772 with a stop codon.
Molecular consequence: nonsense.
Genome position (GRCh38, 1-based): chr2:178,612,095, C>T on the plus strand (G>A on the coding strand, the complement: TTN is on the minus strand). VCF-style: chr2-178612095-C-T. GRCh37 (hg19) VCF-style: chr2-179476822-C-T.
Other names: c.45393G>A, p.Trp15131Ter (NM_001256850.1); c.23121G>A, p.Trp7707Ter (NM_003319.4); c.42612G>A, p.Trp14204Ter (NM_133378.4); c.23496G>A, p.Trp7832Ter (NM_133432.3); c.23697G>A, p.Trp7899Ter (NM_133437.4); short protein forms W14204*, W15131*, W16772*, W7707*, W7832*, W7899*.
Identifiers: ClinVar variation 1068203 (VCV001068203.9), dbSNP rs1433307898, ClinGen allele CA349597116.